The following is an entry in ClinVar:

NM_014283.5(SUCO):c.3295C>T (p.Pro1099Ser)

Gene: SUCO (SUN domain containing ossification factor; plus strand). Cytogenetic location: 1q24.3.
Variant type: single nucleotide variant.
Coding change: c.3295C>T on transcript NM_014283.5 (MANE Select); coding-DNA position 3295, C replaced by T.
Protein change: p.Pro1099Ser; replaces proline 1099 with serine.
Molecular consequence: missense variant.
Genome position (GRCh38, 1-based): chr1:172,608,776, C>T. VCF-style: chr1-172608776-C-T. GRCh37 (hg19) VCF-style: chr1-172577916-C-T.
Other names: c.2182C>T, p.Pro728Ser (NM_001282750.2); c.1606C>T, p.Pro536Ser (NM_001282751.2); c.3748C>T, p.Pro1250Ser (NM_016227.4); short protein forms P1099S, P536S, P728S, P1250S.
Identifiers: ClinVar variation 3718187 (VCV003718187.2).
Genomic context (GRCh38, chr1:172,608,776, plus strand): 5'-TACATCTGCTTTTTTTTTTTTTTACTTACAGTAGACCCAAATGATTTGTACATTGTAGAA[C>T]CCCTCAAGTTTTCTCCAGAAAAGAAGGTAATTGTTTATTTCTTTTTAAGTTTATTGCTAT-3'
Protein context (NP_055098.1, residues 1089-1109): VDPNDLYIVE[Pro1099Ser]LKFSPEKKKK

ClinVar aggregate classification (germline): Uncertain significance (1 of 4 stars; one submission).

Submission:

Labcorp Genetics (formerly Invitae), Labcorp
Classification: Uncertain significance. Last evaluated: 2025-01-23. Review status: criteria provided, single submitter. Criteria: Invitae Variant Classification Sherloc (09022015). Collection method: clinical testing. Allele origin: germline.
Comment: This sequence change replaces proline, which is neutral and non-polar, with serine, which is neutral and polar, at codon 1099 of the SUCO protein (p.Pro1099Ser). This variant is present in population databases (no rsID available, gnomAD 0.007%). This variant has not been reported in the literature in individuals affected with SUCO-related conditions. An algorithm developed to predict the effect of missense changes on protein structure and function (PolyPhen-2) suggests that this variant is likely to be disruptive. In summary, the available evidence is currently insufficient to determine the role of this variant in disease. Therefore, it has been classified as a Variant of Uncertain Significance.